The following is an entry in ClinVar:

NM_001379286.1(ZNF423):c.1259C>T (p.Pro420Leu)

Gene: ZNF423 (zinc finger protein 423; minus strand). Cytogenetic location: 16q12.1.
Variant type: single nucleotide variant.
Coding change: c.1259C>T on transcript NM_001379286.1 (MANE Select); coding-DNA position 1259, C replaced by T.
Protein change: p.Pro420Leu; replaces proline 420 with leucine.
Molecular consequence: missense variant.
Genome position (GRCh38, 1-based): chr16:49,637,917, G>A on the plus strand (C>T on the coding strand, the complement: ZNF423 is on the minus strand). VCF-style: chr16-49637917-G-A. GRCh37 (hg19) VCF-style: chr16-49671828-G-A.
Other names: c.1055C>T, p.Pro352Leu (NM_001271620.2); c.884C>T, p.Pro295Leu (NM_001330533.2); c.1235C>T, p.Pro412Leu (NM_015069.5); short protein forms P420L, P295L, P352L, P412L.
Identifiers: ClinVar variation 4993831 (VCV004993831.1).

ClinVar aggregate classification (germline): Uncertain significance (1 of 4 stars; one submission).

Conditions:
ZNF423-related disorder. Also called: ZNF423-related condition.

gnomAD v4.1: 1 of 1,614,148 alleles (0.000062%); highest among the groups gnomAD compares: Non-Finnish European, 0.000085%; no homozygotes.

Submission:

PreventionGenetics, part of Exact Sciences
Classification: Uncertain significance for ZNF423-related condition. Last evaluated: 2026-08-17. Review status: criteria provided, single submitter. Criteria: ACMG Guidelines, 2015. Collection method: clinical testing. Allele origin: germline.
Comment: The ZNF423 c.1235C>T variant is predicted to result in the amino acid substitution p.Pro412Leu. To our knowledge, this variant has not been reported in the literature or in a large population database (gnomAD), indicating this variant is rare. At this time, the clinical significance of this variant is uncertain due to the absence of conclusive functional and genetic evidence.